The following is an entry in ClinVar:

ClinVar aggregate classification (germline): Uncertain significance (1 of 4 stars; one submission).

Conditions:
Blau syndrome (BLAUS). Also called: ARTHROCUTANEOUVEAL GRANULOMATOSIS; GRANULOMATOSIS, FAMILIAL JUVENILE SYSTEMIC; GRANULOMATOSIS, FAMILIAL, BLAU TYPE; GRANULOMATOUS INFLAMMATORY ARTHRITIS, DERMATITIS, AND UVEITIS, FAMILIAL; JABS SYNDROME. Identifiers: Orphanet 90340, MedGen C5201146, MONDO:0008523, OMIM 186580.
Regional enteritis. Also called: Enteritis, Granulomatous. Identifiers: MedGen C0678202, MeSH D003424.

Submission:

Labcorp Genetics (formerly Invitae), Labcorp
Classification: Uncertain significance for Regional enteritis; Blau syndrome. Last evaluated: 2023-12-20. Review status: criteria provided, single submitter. Criteria: Invitae Variant Classification Sherloc (09022015). Collection method: clinical testing. Allele origin: germline.
Comment: This sequence change replaces alanine, which is neutral and non-polar, with valine, which is neutral and non-polar, at codon 197 of the NOD2 protein (p.Ala197Val). This variant is not present in population databases (gnomAD no frequency). This variant has not been reported in the literature in individuals affected with NOD2-related conditions. Advanced modeling of protein sequence and biophysical properties (such as structural, functional, and spatial information, amino acid conservation, physicochemical variation, residue mobility, and thermodynamic stability) performed at Invitae indicates that this missense variant is not expected to disrupt NOD2 protein function with a negative predictive value of 95%. In summary, the available evidence is currently insufficient to determine the role of this variant in disease. Therefore, it has been classified as a Variant of Uncertain Significance.

NM_001370466.1(NOD2):c.509C>T (p.Ala170Val)

Gene: NOD2 (nucleotide binding oligomerization domain containing 2; plus strand). Cytogenetic location: 16q12.1.
Variant type: single nucleotide variant.
Coding change: c.509C>T on transcript NM_001370466.1 (MANE Select); coding-DNA position 509, C replaced by T.
Protein change: p.Ala170Val; replaces alanine 170 with valine.
Molecular consequence: missense variant. On other transcripts: non-coding transcript variant (1).
Genome position (GRCh38, 1-based): chr16:50,707,904, C>T. VCF-style: chr16-50707904-C-T. GRCh37 (hg19) VCF-style: chr16-50741815-C-T.
Other names: c.509C>T, p.Ala170Val (NM_001293557.2); c.590C>T, p.Ala197Val (NM_022162.3); short protein forms A170V, A197V.
Identifiers: ClinVar variation 2937452 (VCV002937452.3), dbSNP rs373838219, ClinGen allele CA395867135.